The following is an entry in ClinVar:

NM_000051.4(ATM):c.7338dup (p.Leu2447fs)

Genes: ATM (ATM serine/threonine kinase; plus strand), C11orf65 (chromosome 11 open reading frame 65; minus strand). Cytogenetic location: 11q22.3.
Variant type: Duplication.
Coding change: c.7338dup on transcript NM_000051.4 (MANE Select); coding-DNA position 7338, one base duplicated (G; older notation c.7338dupG).
Protein change: p.Leu2447fs; shifts the reading frame from leucine 2447.
Molecular consequence: frameshift variant. On other transcripts: intron variant (2).
Genome position (GRCh38, 1-based): chr11:108,330,244, G duplicated. VCF-style (leftmost placement, unchanged base first): chr11-108330243-A-AG. GRCh37 (hg19) VCF-style: chr11-108200970-A-AG.
Other names: c.7338dup, p.Leu2447fs (NM_001351834.2); c.641-21173dup (NM_001330368.2); c.*38+4976dup (NM_001351110.2); short protein forms L2447fs.
Identifiers: ClinVar variation 2757184 (VCV002757184.3), dbSNP rs2547260891, ClinGen allele CA2697556950.

ClinVar aggregate classification (germline): Pathogenic (1 of 4 stars; one submission).

Conditions:
Ataxia-telangiectasia syndrome (AT). Also called: LOUIS-BAR SYNDROME; Cerebello-oculocutaneous telangiectasia; Immunodeficiency with ataxia telangiectasia; Ataxia telangiectasia (A-T); Ataxia-telangiectasia, complementation group D; AT, COMPLEMENTATION GROUP C. Identifiers: Orphanet 100, MedGen C0004135, MONDO:0008840, OMIM 208900.

Submission:

Labcorp Genetics (formerly Invitae), Labcorp
Classification: Pathogenic for Ataxia-telangiectasia syndrome. Last evaluated: 2023-09-01. Review status: criteria provided, single submitter. Criteria: Invitae Variant Classification Sherloc (09022015). Collection method: clinical testing. Allele origin: germline.
Comment: This sequence change creates a premature translational stop signal (p.Leu2447Valfs*3) in the ATM gene. It is expected to result in an absent or disrupted protein product. Loss-of-function variants in ATM are known to be pathogenic (PMID: 23807571, 25614872). This variant is not present in population databases (gnomAD no frequency). This variant has not been reported in the literature in individuals affected with ATM-related conditions. For these reasons, this variant has been classified as Pathogenic.

Literature cited by the submitters: PubMed 23807571; PubMed 25614872.